The following is an entry in ClinVar:

ClinVar aggregate classification (germline): Uncertain significance. Review status: criteria provided, multiple submitters, no conflicts (2 of 4 stars). 3 submissions from 3 submitters: Uncertain significance (3). Last evaluated 2024-09-12.

Conditions:
Immunodeficiency-centromeric instability-facial anomalies syndrome 2 (ICF2). Identifiers: Orphanet 2268, MedGen C3279748, MONDO:0013553, OMIM 614069.

Allele frequency attached by ClinVar (database versions not stated): 1000 Genomes Project 30x 0.00016; gnomAD 0.00019 and 0.00024; 1000 Genomes Project 0.00020; gnomAD exomes 0.00023 and 0.00034; TOPMed 0.00024; ExAC 0.00026; ESP Exome Variant Server 0.00046.
gnomAD v4.1: 531 of 1,614,154 alleles (0.033%); highest among the groups gnomAD compares: Non-Finnish European, 0.04%; no homozygotes.

Submissions (3):

Blueprint Genetics
Classification: Uncertain significance. Last evaluated: 2024-09-12. Review status: criteria provided, single submitter. Criteria: ACMG Guidelines, 2015. Collection method: clinical testing. Allele origin: germline.

Labcorp Genetics (formerly Invitae), Labcorp
Classification: Uncertain significance for Immunodeficiency-centromeric instability-facial anomalies syndrome 2. Last evaluated: 2022-08-23. Review status: criteria provided, single submitter. Criteria: Invitae Variant Classification Sherloc (09022015). Collection method: clinical testing. Allele origin: germline.
Comment: This sequence change replaces arginine, which is basic and polar, with cysteine, which is neutral and slightly polar, at codon 413 of the ZBTB24 protein (p.Arg413Cys). This variant is present in population databases (rs149690823, gnomAD 0.03%). This variant has not been reported in the literature in individuals affected with ZBTB24-related conditions. ClinVar contains an entry for this variant (Variation ID: 539531). Algorithms developed to predict the effect of missense changes on protein structure and function are either unavailable or do not agree on the potential impact of this missense change (SIFT: "Not Available"; PolyPhen-2: "Possibly Damaging"; Align-GVGD: "Not Available"). In summary, the available evidence is currently insufficient to determine the role of this variant in disease. Therefore, it has been classified as a Variant of Uncertain Significance.

CeGaT Center for Human Genetics Tuebingen
Classification: Uncertain significance. Last evaluated: 2019-10-01. Review status: criteria provided, single submitter. Criteria: CeGaT Center For Human Genetics Tuebingen Variant Classification Criteria Version 2. Collection method: clinical testing. Allele origin: germline. Affected: yes. Observed: 1 variant allele.

NM_014797.3(ZBTB24):c.1237C>T (p.Arg413Cys)

Gene: ZBTB24 (zinc finger and BTB domain containing 24; minus strand). Cytogenetic location: 6q21.
Variant type: single nucleotide variant.
Coding change: c.1237C>T on transcript NM_014797.3 (MANE Select); coding-DNA position 1237, C replaced by T.
Protein change: p.Arg413Cys; replaces arginine 413 with cysteine.
Molecular consequence: missense variant.
Genome position (GRCh38, 1-based): chr6:109,475,450, G>A on the plus strand (C>T on the coding strand, the complement: ZBTB24 is on the minus strand). VCF-style: chr6-109475450-G-A. GRCh37 (hg19) VCF-style: chr6-109796653-G-A.
Other names: short protein forms R413C.
Identifiers: ClinVar variation 539531 (VCV000539531.48), dbSNP rs149690823, ClinGen allele CA3954127.